The following is an entry in ClinVar:

NM_032634.4(PIGO):c.1151C>T (p.Ala384Val)

Gene: PIGO (phosphatidylinositol glycan anchor biosynthesis class O; minus strand). Cytogenetic location: 9p13.3.
Variant type: single nucleotide variant.
Coding change: c.1151C>T on transcript NM_032634.4 (MANE Select); coding-DNA position 1151, C replaced by T.
Protein change: p.Ala384Val; replaces alanine 384 with valine.
Molecular consequence: missense variant.
Genome position (GRCh38, 1-based): chr9:35,092,736, G>A on the plus strand (C>T on the coding strand, the complement: PIGO is on the minus strand). VCF-style: chr9-35092736-G-A. GRCh37 (hg19) VCF-style: chr9-35092733-G-A.
Other names: c.1151C>T, p.Ala384Val (NM_001201484.2, NM_152850.4); short protein forms A384V.
Identifiers: ClinVar variation 835845 (VCV000835845.11), dbSNP rs745507962, ClinGen allele CA5040705.
Genomic context (GRCh38, chr9:35,092,736, plus strand): 5'-GAGGCCTTGGAGAAGAGGTTCTGCAGCTGATGAAGCTCCTTAGCTTGAAGGTCCTGAGTA[G>A]CAGCTGAGTAGGTATGAAGAAATCGGGACACCTGGCAGAGAAAAGGTCAGAGGCCAAGGG-3'
Protein context (NP_116023.2, residues 374-394): VSRFLHTYSA[Ala384Val]TQDLQAKELH

ClinVar aggregate classification (germline): Uncertain significance. Review status: criteria provided, multiple submitters, no conflicts (2 of 4 stars). 3 submissions from 3 submitters: Uncertain significance (3). Last evaluated 2025-06-18.

Conditions:
Inborn genetic diseases. Identifiers: MedGen C0950123, MeSH D030342.
Hyperphosphatasia with impaired intellectual development syndrome 2. Also called: Hyperphosphatasia with intellectual disability syndrome 2; GLYCOSYLPHOSPHATIDYLINOSITOL BIOSYNTHESIS DEFECT 6. Identifiers: Orphanet 247262, MedGen C3553637, MONDO:0013882, OMIM 614749.

Allele frequency attached by ClinVar (database versions not stated): gnomAD 0.00001; gnomAD exomes below 0.00001; ExAC 0.00001.
gnomAD v4.1: 11 of 1,612,122 alleles (0.00068%); highest among the groups gnomAD compares: Admixed American, 0.005%; no homozygotes.

Submissions (3):

Ambry Genetics
Classification: Uncertain significance for Inborn genetic diseases. Last evaluated: 2025-06-18. Review status: criteria provided, single submitter. Criteria: Ambry Variant Classification Scheme 2023. Collection method: clinical testing. Allele origin: germline.

GeneDx
Classification: Uncertain significance. Last evaluated: 2024-09-15. Review status: criteria provided, single submitter. Criteria: GeneDx Variant Classification Process June 2021. Collection method: clinical testing. Allele origin: germline. Affected: yes.
Comment: Not observed at significant frequency in large population cohorts (gnomAD); In silico analysis indicates that this missense variant does not alter protein structure/function; Has not been previously published as pathogenic or benign to our knowledge

Labcorp Genetics (formerly Invitae), Labcorp
Classification: Uncertain significance for Hyperphosphatasia with impaired intellectual development syndrome 2. Last evaluated: 2024-02-17. Review status: criteria provided, single submitter. Criteria: Invitae Variant Classification Sherloc (09022015). Collection method: clinical testing. Allele origin: germline.
Comment: This sequence change replaces alanine, which is neutral and non-polar, with valine, which is neutral and non-polar, at codon 384 of the PIGO protein (p.Ala384Val). This variant is present in population databases (rs745507962, gnomAD 0.0009%). This variant has not been reported in the literature in individuals affected with PIGO-related conditions. ClinVar contains an entry for this variant (Variation ID: 835845). Advanced modeling of protein sequence and biophysical properties (such as structural, functional, and spatial information, amino acid conservation, physicochemical variation, residue mobility, and thermodynamic stability) performed at Invitae indicates that this missense variant is not expected to disrupt PIGO protein function with a negative predictive value of 80%. In summary, the available evidence is currently insufficient to determine the role of this variant in disease. Therefore, it has been classified as a Variant of Uncertain Significance.